The following is an entry in ClinVar:

NC_000016.10:g.67660423C>T

Genes: ACD (ACD shelterin complex subunit and telomerase recruitment factor; minus strand), LOC130059224 (ATAC-STARR-seq lymphoblastoid silent region 7617; plus strand). Cytogenetic location: 16q22.1.
Variant type: single nucleotide variant.
Genome position: GRCh38 VCF-style: chr16-67660423-C-T. GRCh37 (hg19) VCF-style: chr16-67694326-C-T.
Other names: short protein forms R19H.
Identifiers: ClinVar variation 1749158 (VCV001749158.5), dbSNP rs1056634239, ClinGen allele CA396360022.
Genomic context (GRCh38, chr16:67,660,423, plus strand): 5'-CGAGGGCGTCCTGCTCGGGGGCCTGTGTGCAGACTCCCGCTGGTCCACCCCGCTGGTGCA[C>T]GGGATGCTGGCCCGTTTACTCTCATCGCGGCGTCACTCTGACAGCGGCCAGGCATTTGGG-3'

ClinVar aggregate classification (germline): Uncertain significance. Review status: criteria provided, multiple submitters, no conflicts (2 of 4 stars). 2 submissions from 2 submitters: Uncertain significance (2). Last evaluated 2023-09-12.

Conditions:
Dyskeratosis congenita, autosomal dominant 6 (DKCA6). Identifiers: Orphanet 3322, MedGen C4225284, MONDO:0014690, OMIM 616553.
Inborn genetic diseases. Identifiers: MedGen C0950123, MeSH D030342.

Submissions (2):

Ambry Genetics
Classification: Uncertain significance for Inborn genetic diseases. Last evaluated: 2023-09-12. Review status: criteria provided, single submitter. Criteria: Ambry Variant Classification Scheme 2023. Collection method: clinical testing. Allele origin: germline.

Labcorp Genetics (formerly Invitae), Labcorp
Classification: Uncertain significance for Dyskeratosis congenita, autosomal dominant 6. Last evaluated: 2022-11-01. Review status: criteria provided, single submitter. Criteria: Invitae Variant Classification Sherloc (09022015). Collection method: clinical testing. Allele origin: germline.
Comment: In summary, the available evidence is currently insufficient to determine the role of this variant in disease. Therefore, it has been classified as a Variant of Uncertain Significance. Algorithms developed to predict the effect of missense changes on protein structure and function are either unavailable or do not agree on the potential impact of this missense change (SIFT: "Deleterious"; PolyPhen-2: "Possibly Damaging"; Align-GVGD: "Class C0"). This variant has not been reported in the literature in individuals affected with ACD-related conditions. This variant is not present in population databases (gnomAD no frequency). This sequence change replaces arginine, which is basic and polar, with histidine, which is basic and polar, at codon 19 of the ACD protein (p.Arg19His).